The following is an entry in ClinVar:

ClinVar aggregate classification (germline): Uncertain significance. Review status: criteria provided, multiple submitters, no conflicts (2 of 4 stars). 2 submissions from 2 submitters: Uncertain significance (2). Last evaluated 2025-12-15.

Conditions:
Early-infantile DEE. Also called: Early infantile epileptic encephalopathy; Ohtahara syndrome; Early infantile epileptic encephalopathy with suppression bursts. Identifiers: Orphanet 1934, MedGen C0393706, MONDO:0800491.

Allele frequency attached by ClinVar (database versions not stated): ESP Exome Variant Server 0.00008; 1000 Genomes Project 0.00040; gnomAD 0.00045; 1000 Genomes Project 30x 0.00047; TOPMed 0.00080.

Submissions (2):

Labcorp Genetics (formerly Invitae), Labcorp
Classification: Uncertain significance for Early-infantile DEE. Last evaluated: 2025-12-15. Review status: criteria provided, single submitter. Criteria: Invitae Variant Classification Sherloc (09022015). Collection method: clinical testing. Allele origin: germline.
Comment: This sequence change replaces arginine, which is basic and polar, with histidine, which is basic and polar, at codon 27 of the ARHGEF15 protein (p.Arg27His). This variant is present in population databases (rs199663714, gnomAD 0.02%). This variant has not been reported in the literature in individuals affected with ARHGEF15-related conditions. ClinVar contains an entry for this variant (Variation ID: 461440). An algorithm developed to predict the effect of missense changes on protein structure and function (PolyPhen-2) suggests that this variant is likely to be disruptive. In summary, the available evidence is currently insufficient to determine the role of this variant in disease. Therefore, it has been classified as a Variant of Uncertain Significance.

New York Genome Center
Classification: Uncertain significance. Last evaluated: 2020-07-27. Review status: criteria provided, single submitter. Criteria: NYGC Assertion Criteria 2020. Collection method: clinical testing. Allele origin: inherited. Observed: 1 heterozygote. Study: CSER-NYCKidSeq.

NM_173728.4(ARHGEF15):c.80G>A (p.Arg27His)

Gene: ARHGEF15 (Rho guanine nucleotide exchange factor 15; plus strand). Cytogenetic location: 17p13.1.
Variant type: single nucleotide variant.
Coding change: c.80G>A on transcript NM_173728.4 (MANE Select); coding-DNA position 80, G replaced by A.
Protein change: p.Arg27His; replaces arginine 27 with histidine.
Molecular consequence: missense variant.
Genome position (GRCh38, 1-based): chr17:8,312,119, G>A. VCF-style: chr17-8312119-G-A. GRCh37 (hg19) VCF-style: chr17-8215437-G-A.
Other names: c.80G>A, p.Arg27His (NM_025014.2); short protein forms R27H.
Identifiers: ClinVar variation 461440 (VCV000461440.12), dbSNP rs199663714, ClinGen allele CA8374784.